The following is an entry in ClinVar:

NM_000051.4(ATM):c.8389A>G (p.Ser2797Gly)

Genes: ATM (ATM serine/threonine kinase; plus strand), C11orf65 (chromosome 11 open reading frame 65; minus strand). Cytogenetic location: 11q22.3.
Variant type: single nucleotide variant.
Coding change: c.8389A>G on transcript NM_000051.4 (MANE Select); coding-DNA position 8389, A replaced by G.
Protein change: p.Ser2797Gly; replaces serine 2797 with glycine.
Molecular consequence: missense variant. On other transcripts: intron variant (2).
Genome position (GRCh38, 1-based): chr11:108,343,342, A>G. VCF-style: chr11-108343342-A-G. GRCh37 (hg19) VCF-style: chr11-108214069-A-G.
Other names: c.8389A>G, p.Ser2797Gly (NM_001351834.2); c.641-34271T>C (NM_001330368.2); c.695-8050T>C (NM_001351110.2); short protein forms S2797G.
Identifiers: ClinVar variation 584498 (VCV000584498.14), dbSNP rs761629908, ClinGen allele CA6266354.

ClinVar aggregate classification (germline): Uncertain significance. Review status: criteria provided, multiple submitters, no conflicts (2 of 4 stars). 4 submissions from 4 submitters: Uncertain significance (4). Last evaluated 2025-01-05.

Conditions:
Hereditary cancer-predisposing syndrome. Also called: Hereditary Cancer Syndrome; Neoplastic Syndromes, Hereditary; Tumor predisposition; Hereditary neoplastic syndrome. Identifiers: Orphanet 140162, MedGen C0027672, MeSH D009386, MONDO:0015356.
Ataxia-telangiectasia syndrome (AT). Also called: Cerebello-oculocutaneous telangiectasia; Immunodeficiency with ataxia telangiectasia; Ataxia-telangiectasia, complementation group E; Ataxia-telangiectasia, complementation group D; AT, COMPLEMENTATION GROUP C; ATAXIA-TELANGIECTASIA, COMPLEMENTATION GROUP A. Identifiers: Orphanet 100, MedGen C0004135, MONDO:0008840, OMIM 208900.

Allele frequency attached by ClinVar (database versions not stated): gnomAD exomes 0.00001; ExAC 0.00001.
gnomAD v4.1: 5 of 1,613,978 alleles (0.00031%); highest among the groups gnomAD compares: Non-Finnish European, 0.00042%; no homozygotes.

Submissions (4):

Labcorp Genetics (formerly Invitae), Labcorp
Classification: Uncertain significance for Ataxia-telangiectasia syndrome. Last evaluated: 2025-01-05. Review status: criteria provided, single submitter. Criteria: Invitae Variant Classification Sherloc (09022015). Collection method: clinical testing. Allele origin: germline.
Comment: This sequence change replaces serine, which is neutral and polar, with glycine, which is neutral and non-polar, at codon 2797 of the ATM protein (p.Ser2797Gly). This variant is not present in population databases (gnomAD no frequency). This variant has not been reported in the literature in individuals affected with ATM-related conditions. ClinVar contains an entry for this variant (Variation ID: 584498). Invitae Evidence Modeling of protein sequence and biophysical properties (such as structural, functional, and spatial information, amino acid conservation, physicochemical variation, residue mobility, and thermodynamic stability) indicates that this missense variant is not expected to disrupt ATM protein function with a negative predictive value of 95%. In summary, the available evidence is currently insufficient to determine the role of this variant in disease. Therefore, it has been classified as a Variant of Uncertain Significance.

Ambry Genetics
Classification: Uncertain significance for Hereditary cancer-predisposing syndrome. Last evaluated: 2024-04-18. Review status: criteria provided, single submitter. Criteria: Ambry Variant Classification Scheme 2023. Collection method: clinical testing. Allele origin: germline.
Comment: The p.S2797G variant (also known as c.8389A>G), located in coding exon 56 of the ATM gene, results from an A to G substitution at nucleotide position 8389. The serine at codon 2797 is replaced by glycine, an amino acid with similar properties. This amino acid position is not well conserved in available vertebrate species. In addition, this alteration is predicted to be tolerated by in silico analysis. Based on the available evidence, the clinical significance of this variant remains unclear.

Color Diagnostics, LLC DBA Color Health
Classification: Uncertain significance for Hereditary cancer-predisposing syndrome. Last evaluated: 2019-05-07. Review status: criteria provided, single submitter. Criteria: ACMG Guidelines, 2015. Collection method: clinical testing. Allele origin: germline.

GeneKor MSA
Classification: Uncertain significance for Hereditary cancer-predisposing syndrome. Last evaluated: 2018-08-01. Review status: criteria provided, single submitter. Criteria: ACMG Guidelines, 2015. Collection method: clinical testing. Allele origin: germline. Affected: yes.